The following is an entry in ClinVar:

ClinVar aggregate classification (germline): Uncertain significance (1 of 4 stars; one submission).

gnomAD v4.1: 9 of 1,613,988 alleles (0.00056%); highest among the groups gnomAD compares: Non-Finnish European, 0.00068%; no homozygotes.

Submission:

Labcorp Genetics (formerly Invitae), Labcorp
Classification: Uncertain significance. Last evaluated: 2022-11-15. Review status: criteria provided, single submitter. Criteria: Invitae Variant Classification Sherloc (09022015). Collection method: clinical testing. Allele origin: germline.
Comment: This sequence change replaces glutamine, which is neutral and polar, with histidine, which is basic and polar, at codon 2710 of the CPLANE1 protein (p.Gln2710His). In summary, the available evidence is currently insufficient to determine the role of this variant in disease. Therefore, it has been classified as a Variant of Uncertain Significance. Advanced modeling of protein sequence and biophysical properties (such as structural, functional, and spatial information, amino acid conservation, physicochemical variation, residue mobility, and thermodynamic stability) performed at Invitae indicates that this missense variant is not expected to disrupt CPLANE1 protein function. ClinVar contains an entry for this variant (Variation ID: 1348125). This variant has not been reported in the literature in individuals affected with CPLANE1-related conditions. This variant is not present in population databases (gnomAD no frequency).

NM_001384732.1(CPLANE1):c.8292G>C (p.Gln2764His)

Gene: CPLANE1 (ciliogenesis and planar polarity effector complex subunit 1; minus strand). Cytogenetic location: 5p13.2.
Variant type: single nucleotide variant.
Coding change: c.8292G>C on transcript NM_001384732.1 (MANE Select); coding-DNA position 8292, G replaced by C.
Protein change: p.Gln2764His; replaces glutamine 2764 with histidine.
Molecular consequence: missense variant.
Genome position (GRCh38, 1-based): chr5:37,153,821, C>G on the plus strand (G>C on the coding strand, the complement: CPLANE1 is on the minus strand). VCF-style: chr5-37153821-C-G. GRCh37 (hg19) VCF-style: chr5-37153923-C-G.
Other names: c.8130G>C, p.Gln2710His (NM_023073.4); short protein forms Q2710H, Q2764H.
Identifiers: ClinVar variation 1348125 (VCV001348125.6), dbSNP rs766837329, ClinGen allele CA359473823.